The following is an entry in ClinVar:

NM_004260.4(RECQL4):c.935G>A (p.Ser312Asn)

Gene: RECQL4 (RecQ like helicase 4; minus strand). Cytogenetic location: 8q24.3.
Variant type: single nucleotide variant.
Coding change: c.935G>A on transcript NM_004260.4 (MANE Select); coding-DNA position 935, G replaced by A.
Protein change: p.Ser312Asn; replaces serine 312 with asparagine.
Molecular consequence: missense variant. On other transcripts: 5 prime UTR variant (17), non-coding transcript variant (3).
Genome position (GRCh38, 1-based): chr8:144,516,184, C>T on the plus strand (G>A on the coding strand, the complement: RECQL4 is on the minus strand). VCF-style: chr8-144516184-C-T. GRCh37 (hg19) VCF-style: chr8-145741568-C-T.
Other names: c.935G>A, p.Ser312Asn (NM_001413017.1, NM_001413018.1, NM_001413019.1 and 4 more transcripts); c.-137G>A (NM_001413021.1, NM_001413022.1, NM_001413023.1 and 7 more transcripts); c.806G>A, p.Ser269Asn (NM_001413025.1); c.-199G>A (NM_001413027.1, NM_001413030.1, NM_001413031.1 and 2 more transcripts); c.584G>A, p.Ser195Asn (NM_001413029.1); c.-41G>A (NM_001413034.1); c.-406G>A (NM_001413043.1); short protein forms S269N, S195N, S312N.
Identifiers: ClinVar variation 2847353 (VCV002847353.3), dbSNP rs763717004, ClinGen allele CA372688629.
Genomic context (GRCh38, chr8:144,516,184, plus strand): 5'-TTCCCAGCCCTAGCTTGACTGGAGGGGCTGAGTCCGTGGTACCTGGGGTTCGATGGGCTG[C>T]TGCAGGGCTGAGGTGGCTGTGCCTGTACAGGTTCCCCTGGAGGGTCTTCCTCAACTGCTA-3'
Protein context (NP_004251.4, residues 302-322): PVQAQPPQPC[Ser312Asn]SPSNPRYHGL

ClinVar aggregate classification (germline): Uncertain significance (1 of 4 stars; one submission).

Conditions:
Baller-Gerold syndrome (BGS). Also called: CRANIOSYNOSTOSIS WITH RADIAL DEFECTS. Identifiers: Orphanet 1225, MedGen C0265308, MONDO:0009039, OMIM 218600.

gnomAD v4.1: 1 of 1,613,458 alleles (0.000062%); highest among the groups gnomAD compares: Non-Finnish European, 0.000085%; no homozygotes.

Submission:

Labcorp Genetics (formerly Invitae), Labcorp
Classification: Uncertain significance for Baller-Gerold syndrome. Last evaluated: 2023-03-19. Review status: criteria provided, single submitter. Criteria: Invitae Variant Classification Sherloc (09022015). Collection method: clinical testing. Allele origin: germline.
Comment: This sequence change replaces serine, which is neutral and polar, with asparagine, which is neutral and polar, at codon 312 of the RECQL4 protein (p.Ser312Asn). This variant is not present in population databases (gnomAD no frequency). This variant has not been reported in the literature in individuals affected with RECQL4-related conditions. Advanced modeling of protein sequence and biophysical properties (such as structural, functional, and spatial information, amino acid conservation, physicochemical variation, residue mobility, and thermodynamic stability) performed at Invitae indicates that this missense variant is not expected to disrupt RECQL4 protein function. In summary, the available evidence is currently insufficient to determine the role of this variant in disease. Therefore, it has been classified as a Variant of Uncertain Significance.